The following is an entry in ClinVar:

NM_004183.4(BEST1):c.954C>G (p.Ser318=)

Gene: BEST1 (bestrophin 1; plus strand). Cytogenetic location: 11q12.3.
Variant type: single nucleotide variant.
Coding change: c.954C>G on transcript NM_004183.4 (MANE Select); coding-DNA position 954, C replaced by G.
Protein change: p.Ser318=; no amino-acid change (serine 318 retained).
Molecular consequence: synonymous variant. On other transcripts: missense variant (1), non-coding transcript variant (1).
Genome position (GRCh38, 1-based): chr11:61,959,897, C>G. VCF-style: chr11-61959897-C-G. GRCh37 (hg19) VCF-style: chr11-61727369-C-G.
Other names: c.774C>G, p.Ser258= (NM_001139443.3, NM_001300787.2); c.693C>G, p.Ser231= (NM_001300786.2); c.636C>G, p.Ser212= (NM_001363591.3); c.1157C>G, p.Pro386Arg (NM_001363592.2); c.-19C>G (NM_001363593.3); short protein forms P386R.
Identifiers: ClinVar variation 305123 (VCV000305123.14), dbSNP rs144231113, ClinGen allele CA6040956.
Genomic context (GRCh38, chr11:61,959,897, plus strand): 5'-AAGGTCCTGCCTGGGATGATCTTTCTGTGGGACTTCTTCTGTCCCTGGTGACCAGGTGTC[C>G]CTGTTGGCTGTGGATGAGATGCACCAGGACCTGCCTCGGATGGAGCCGGACATGTACTGG-3'
Protein context (NP_004174.1, residues 308-328): NWIVDRNLQV[Ser318=]LLAVDEMHQD

ClinVar aggregate classification (germline): Conflicting classifications of pathogenicity. Review status: criteria provided, conflicting classifications (1 of 4 stars). 5 submissions from 3 submitters: Uncertain significance (2); Likely benign (3). Last evaluated 2023-11-27.

Conditions:
Retinitis pigmentosa (RP). Identifiers: Orphanet 791, MedGen C0035334, MeSH D012174, MONDO:0019200, OMIM 268000. Inheritance: Autosomal dominant, autosomal recessive and X linked inheritance.
Autosomal dominant vitreoretinochoroidopathy. Also called: VITREORETINOCHOROIDOPATHY, AUTOSOMAL DOMINANT, WITH NANOPHTHALMOS; Autosomal Dominant Vitreoretinochoroidopathy (ADVIRC); VITREORETINOCHOROIDOPATHY WITH MICROCORNEA, GLAUCOMA, AND CATARACT. Identifiers: Orphanet 263347, Orphanet 3086, MedGen C3888099, MONDO:0008662, OMIM 193220.
Vitelliform macular dystrophy 2. Also called: Best vitelliform macular dystrophy, multifocal; Best Macular Dystrophy; MACULAR DEGENERATION, POLYMORPHIC VITELLINE; Best Vitelliform Macular Dystrophy (BVMD); VITELLIFORM MACULAR DYSTROPHY, EARLY-ONSET; VITELLIFORM MACULAR DYSTROPHY, JUVENILE-ONSET. Identifiers: Orphanet 1243, MedGen C2745945, MONDO:0007931, OMIM 153700.

Allele frequency attached by ClinVar (database versions not stated): ExAC 0.00002; gnomAD 0.00002; gnomAD exomes 0.00002 and 0.00003; TOPMed 0.00002; ESP Exome Variant Server 0.00008.
gnomAD v4.1: 44 of 1,613,712 alleles (0.0027%); highest among the groups gnomAD compares: Non-Finnish European, 0.0035%; no homozygotes.

Submissions (5):

Labcorp Genetics (formerly Invitae), Labcorp
Classification: Likely benign. Last evaluated: 2023-11-27. Review status: criteria provided, single submitter. Criteria: Invitae Variant Classification Sherloc (09022015). Collection method: clinical testing. Allele origin: germline.

Blueprint Genetics
Classification: Likely benign. Last evaluated: 2020-09-19. Review status: criteria provided, single submitter. Criteria: ACMG Guidelines, 2015. Collection method: clinical testing. Allele origin: germline.

Illumina Laboratory Services, Illumina
Classification: Likely benign for Autosomal dominant vitreoretinochoroidopathy. Last evaluated: 2018-01-12. Review status: criteria provided, single submitter. Criteria: ICSL Variant Classification Criteria 13 December 2019. Collection method: clinical testing. Allele origin: germline.
Comment: This variant was observed in the ICSL laboratory as part of a predisposition screen in an ostensibly healthy population. It had not been previously curated by ICSL or reported in the Human Gene Mutation Database (HGMD: prior to June 1st, 2018), and was therefore a candidate for classification through an automated scoring system. Utilizing variant allele frequency, disease prevalence and penetrance estimates, and inheritance mode, an automated score was calculated to assess if this variant is too frequent to cause the disease. Based on the score and internal cut-off values, a variant classified as likely benign is not then subjected to further curation. The score for this variant resulted in a classification of likely benign for this disease.

Illumina Laboratory Services, Illumina
Classification: Uncertain significance for Vitelliform macular dystrophy 2. Last evaluated: 2018-01-12. Review status: criteria provided, single submitter. Criteria: ICSL Variant Classification Criteria 13 December 2019. Collection method: clinical testing. Allele origin: germline.

Illumina Laboratory Services, Illumina
Classification: Uncertain significance for Retinitis pigmentosa. Last evaluated: 2018-01-12. Review status: criteria provided, single submitter. Criteria: ICSL Variant Classification Criteria 13 December 2019. Collection method: clinical testing. Allele origin: germline.